The following is an entry in ClinVar:

NM_025137.4(SPG11):c.4871del (p.Gln1624fs)

Gene: SPG11 (SPG11 vesicle trafficking associated, spatacsin; minus strand). Cytogenetic location: 15q21.1.
Variant type: Deletion.
Coding change: c.4871del on transcript NM_025137.4 (MANE Select); coding-DNA position 4871, one base deleted (A; older notation c.4871delA).
Protein change: p.Gln1624fs; shifts the reading frame from glutamine 1624.
Molecular consequence: frameshift variant.
Genome position (GRCh38, 1-based): chr15:44,589,287, T deleted on the plus strand (A on the coding strand, the reverse complement: SPG11 is on the minus strand). VCF-style (leftmost placement, unchanged base first): chr15-44589286-CT-C. GRCh37 (hg19) VCF-style: chr15-44881484-CT-C.
Other names: c.4871del, p.Gln1624fs (NM_001160227.2, NM_001411132.1); c.4871del (NM_025137.3); short protein forms Q1624fs.
Identifiers: ClinVar variation 2763589 (VCV002763589.3), dbSNP rs2505324454, ClinGen allele CA2628203883.

ClinVar aggregate classification (germline): Pathogenic/Likely pathogenic. Review status: criteria provided, multiple submitters, no conflicts (2 of 4 stars). 2 submissions from 2 submitters: Pathogenic (1); Likely pathogenic (1). Last evaluated 2024-10-30.

Conditions:
Hereditary spastic paraplegia 11. Also called: Spastic paraplegia, mental retardation and thin corpus callosum; SPASTIC PARAPLEGIA, AUTOSOMAL RECESSIVE, COMPLICATED, WITH THIN CORPUS CALLOSUM; SPASTIC PARAPLEGIA, AUTOSOMAL RECESSIVE, WITH MENTAL IMPAIRMENT AND THIN CORPUS CALLOSUM; Spastic Paraplegia 11; Nakamura Osame syndrome; Autosomal recessive hereditary spastic paraplegia, mental impairment, and thin corpus callosum. Identifiers: Orphanet 2822, MedGen C1858479, MONDO:0011445, OMIM 604360.

Allele frequency attached by ClinVar (database versions not stated): gnomAD exomes below 0.00001.

Submissions (2):

Labcorp Genetics (formerly Invitae), Labcorp
Classification: Pathogenic for Hereditary spastic paraplegia 11. Last evaluated: 2024-10-30. Review status: criteria provided, single submitter. Criteria: Invitae Variant Classification Sherloc (09022015). Collection method: clinical testing. Allele origin: germline.
Comment: This sequence change creates a premature translational stop signal (p.Gln1624Argfs*16) in the SPG11 gene. It is expected to result in an absent or disrupted protein product. Loss-of-function variants in SPG11 are known to be pathogenic (PMID: 19105190, 20110243, 22154821, 26556829). This variant is not present in population databases (gnomAD no frequency). This premature translational stop signal has been observed in individual(s) with spastic paraplegia (PMID: 35499206). ClinVar contains an entry for this variant (Variation ID: 2763589). For these reasons, this variant has been classified as Pathogenic.

GeneDx
Classification: Likely pathogenic. Last evaluated: 2024-08-20. Review status: criteria provided, single submitter. Criteria: GeneDx Variant Classification Process June 2021. Collection method: clinical testing. Allele origin: germline. Affected: yes.
Comment: Observed with a pathogenic variant in a patient with complicated hereditary spastic paraplegia in published literature, but it is not know whether the variants occurred on the same (in cis) or on different (in trans) chromosomes (PMID: 35499206); Not observed at significant frequency in large population cohorts (gnomAD); Frameshift variant predicted to result in protein truncation or nonsense mediated decay in a gene for which loss of function is a known mechanism of disease; This variant is associated with the following publications: (PMID: 35499206)

Literature cited by the submitters: PubMed 19105190 (cited by Labcorp Genetics (formerly Invitae), Labcorp); PubMed 20110243 (cited by Labcorp Genetics (formerly Invitae), Labcorp); PubMed 22154821 (cited by Labcorp Genetics (formerly Invitae), Labcorp); PubMed 26556829 (cited by Labcorp Genetics (formerly Invitae), Labcorp); PubMed 35499206 (cited by Labcorp Genetics (formerly Invitae), Labcorp).